The following is an entry in ClinVar:

ClinVar aggregate classification (germline): Uncertain significance (1 of 4 stars; one submission).

Allele frequency attached by ClinVar (database versions not stated): TOPMed 0.00001 and below 0.00001; gnomAD 0.00001; ExAC 0.00001.
gnomAD v4.1: 14 of 1,613,814 alleles (0.00087%); highest among the groups gnomAD compares: Non-Finnish European, 0.0011%; no homozygotes.

Submission:

GeneDx
Classification: Uncertain significance. Last evaluated: 2017-08-08. Review status: criteria provided, single submitter. Criteria: GeneDx Variant Classification (06012015). Collection method: clinical testing. Allele origin: germline. Affected: yes.
Comment: The G53S variant has not been published as a pathogenic variant, nor has it been reported as a benign variant to our knowledge. The G53S variant is not observed at a significant frequency in large population cohorts (Lek et al., 2016; 1000 Genomes Consortium et al., 2015; Exome Variant Server). This variant is a non-conservative amino acid substitution, which is likely to impact secondary protein structure as these residues differ in polarity, charge, size and/or other properties. This substitution occurs at a position that is conserved across species, and in silico analysis predicts this variant is probably damaging to the protein structure/function. However, missense variants in nearby residues have not been reported in the Human Gene Mutation Database in association with ITGA7-related disorders (Stenson et al., 2014).

NM_002206.3(ITGA7):c.157G>A (p.Gly53Ser)

Gene: ITGA7 (integrin subunit alpha 7; minus strand). Cytogenetic location: 12q13.2.
Variant type: single nucleotide variant.
Coding change: c.157G>A on transcript NM_002206.3 (MANE Select); coding-DNA position 157, G replaced by A.
Protein change: p.Gly53Ser; replaces glycine 53 with serine.
Molecular consequence: missense variant. On other transcripts: 5 prime UTR variant (1), intron variant (3).
Genome position (GRCh38, 1-based): chr12:55,707,526, C>T on the plus strand (G>A on the coding strand, the complement: ITGA7 is on the minus strand). VCF-style: chr12-55707526-C-T. GRCh37 (hg19) VCF-style: chr12-56101310-C-T.
Other names: c.157G>A, p.Gly53Ser (NM_001144996.2, NM_001374465.1, NM_001410977.1 and 6 more transcripts); c.-1016G>A (NM_001367994.1); c.85+4537G>A (NM_001144997.2); c.-133-4348G>A (NM_001367993.1, NM_001414035.1); short protein forms G53S.
Identifiers: ClinVar variation 450955 (VCV000450955.2), dbSNP rs757119118, ClinGen allele CA6616448.
Genomic context (GRCh38, chr12:55,707,526, plus strand): 5'-CGGTGACTCACCAGCTCTGGGGTCGGGGCTGCAACTGCCGGTGCAGGGCCACAGAGAAGC[C>T]GAAGAGGCTGCCTGGCTCGCCCTCCTTGCGCAAGGCACCCATCACGTCCAGATTGAAGGC-3'
Protein context (NP_002197.2, residues 43-63): RKEGEPGSLF[Gly53Ser]FSVALHRQLQ